The following is an entry in ClinVar:

NM_000094.4(COL7A1):c.1181C>A (p.Thr394Asn)

Gene: COL7A1 (collagen type VII alpha 1 chain; minus strand). Cytogenetic location: 3p21.31.
Variant type: single nucleotide variant.
Coding change: c.1181C>A on transcript NM_000094.4 (MANE Select); coding-DNA position 1181, C replaced by A.
Protein change: p.Thr394Asn; replaces threonine 394 with asparagine.
Molecular consequence: missense variant.
Genome position (GRCh38, 1-based): chr3:48,592,161, G>T on the plus strand (C>A on the coding strand, the complement: COL7A1 is on the minus strand). VCF-style: chr3-48592161-G-T. GRCh37 (hg19) VCF-style: chr3-48629594-G-T.
Other names: short protein forms T394N.
Identifiers: ClinVar variation 5008024 (VCV005008024.1).

ClinVar aggregate classification (germline): Uncertain significance (1 of 4 stars; one submission).

Submission:

GeneDx
Classification: Uncertain significance. Last evaluated: 2026-03-01. Review status: criteria provided, single submitter. Criteria: GeneDx Variant Classification Process June 2021. Collection method: clinical testing. Allele origin: germline.
Comment: Not observed at significant frequency in large population cohorts (gnomAD); In silico analysis suggests that this missense variant does not alter protein structure/function; Has not been previously published as pathogenic or benign to our knowledge